The following is an entry in ClinVar:

NM_000320.3(QDPR):c.652G>A (p.Gly218Arg)

Gene: QDPR (quinoid dihydropteridine reductase; minus strand). Cytogenetic location: 4p15.32.
Variant type: single nucleotide variant.
Coding change: c.652G>A on transcript NM_000320.3 (MANE Select); coding-DNA position 652, G replaced by A.
Protein change: p.Gly218Arg; replaces glycine 218 with arginine.
Molecular consequence: missense variant. On other transcripts: non-coding transcript variant (1).
Genome position (GRCh38, 1-based): chr4:17,487,214, C>T on the plus strand (G>A on the coding strand, the complement: QDPR is on the minus strand). VCF-style: chr4-17487214-C-T. GRCh37 (hg19) VCF-style: chr4-17488837-C-T.
Other names: c.559G>A, p.Gly187Arg (NM_001306140.2); short protein forms G187R, G218R.
Identifiers: ClinVar variation 3902166 (VCV003902166.1).

ClinVar aggregate classification (germline): Uncertain significance (1 of 4 stars; one submission).

Submission:

Women's Health and Genetics/Laboratory Corporation of America, LabCorp
Classification: Uncertain significance. Last evaluated: 2025-05-16. Review status: criteria provided, single submitter. Criteria: LabCorp Variant Classification Summary - May 2015. Collection method: clinical testing. Allele origin: germline.
Comment: Variant summary: QDPR c.652G>A (p.Gly218Arg) results in a non-conservative amino acid change in the encoded protein sequence. Algorithms developed to predict the effect of missense changes on protein structure and function all suggest that this variant is likely to be disruptive. The variant was absent in 251238 control chromosomes. The available data on variant occurrences in the general population are insufficient to allow any conclusion about variant significance. To our knowledge, no occurrence of c.652G>A in individuals affected with Dihydropteridine Reductase Deficiency and no experimental evidence demonstrating its impact on protein function have been reported. No submitters have cited clinical-significance assessments for this variant to ClinVar. Based on the evidence outlined above, the variant was classified as uncertain significance.